The following is an entry in ClinVar:

NM_004370.6(COL12A1):c.188C>G (p.Thr63Arg)

Gene: COL12A1 (collagen type XII alpha 1 chain; minus strand). Cytogenetic location: 6q13.
Variant type: single nucleotide variant.
Coding change: c.188C>G on transcript NM_004370.6 (MANE Select); coding-DNA position 188, C replaced by G.
Protein change: p.Thr63Arg; replaces threonine 63 with arginine.
Molecular consequence: missense variant. On other transcripts: intron variant (2).
Genome position (GRCh38, 1-based): chr6:75,194,833, G>C on the plus strand (C>G on the coding strand, the complement: COL12A1 is on the minus strand). VCF-style: chr6-75194833-G-C. GRCh37 (hg19) VCF-style: chr6-75904549-G-C.
Other names: c.188C>G, p.Thr63Arg (NM_001424113.1, NM_001424114.1, NM_001424115.1); c.73+7887C>G (NM_001424116.1, NM_080645.3); short protein forms T63R.
Identifiers: ClinVar variation 2935992 (VCV002935992.3), dbSNP rs374544349, ClinGen allele CA364731765.

ClinVar aggregate classification (germline): Uncertain significance (1 of 4 stars; one submission).

Conditions:
Ullrich congenital muscular dystrophy 2 (UCMD2). Identifiers: Orphanet 75840, MedGen C4225314, MONDO:0014654, OMIM 616470.
Bethlem myopathy 2 (BTHLM2). Identifiers: Orphanet 536516, Orphanet 610, MedGen C4225313, MONDO:0034022, OMIM 616471.

Submission:

Labcorp Genetics (formerly Invitae), Labcorp
Classification: Uncertain significance for Bethlem myopathy 2; Ullrich congenital muscular dystrophy 2. Last evaluated: 2024-10-16. Review status: criteria provided, single submitter. Criteria: Invitae Variant Classification Sherloc (09022015). Collection method: clinical testing. Allele origin: germline.
Comment: This sequence change replaces threonine, which is neutral and polar, with arginine, which is basic and polar, at codon 63 of the COL12A1 protein (p.Thr63Arg). This variant is not present in population databases (gnomAD no frequency). This variant has not been reported in the literature in individuals affected with COL12A1-related conditions. An algorithm developed to predict the effect of missense changes on protein structure and function (PolyPhen-2) suggests that this variant is likely to be disruptive. In summary, the available evidence is currently insufficient to determine the role of this variant in disease. Therefore, it has been classified as a Variant of Uncertain Significance.